The following is an entry in ClinVar:

NM_001161352.2(KCNMA1):c.960+5_960+8dup

Gene: KCNMA1 (potassium calcium-activated channel subfamily M alpha 1; minus strand). Cytogenetic location: 10q22.3.
Variant type: Duplication.
Coding change: c.960+5_960+8dup on transcript NM_001161352.2 (MANE Select); bases 5 to 8 of the intron after coding-DNA position 960, 4 bases duplicated (GTAA; older notation c.960+5_960+8dupGTAA).
Molecular consequence: intron variant.
Genome position (GRCh38, 1-based): chr10:77,112,359-77,112,362, TTAC duplicated on the plus strand (GTAA on the coding strand, the reverse complement: KCNMA1 is on the minus strand); duplicating any 4 consecutive bases within chr10:77,112,359-77,112,363 gives the same sequence; the c. name uses the placement nearest the transcript's 3' end. VCF-style (leftmost placement, unchanged base first): chr10-77112358-G-GTTAC. GRCh37 (hg19) VCF-style: chr10-78872116-G-GTTAC.
Other names: c.960+5_960+8dup (NM_001322837.2, NM_001322832.2, NM_001410940.1 and 8 more transcripts); c.798+5_798+8dup (NM_001271518.2); c.420+5_420+8dup (NM_001322838.2).
Identifiers: ClinVar variation 3005868 (VCV003005868.3), dbSNP rs2551177779, ClinGen allele CA2740093038.

ClinVar aggregate classification (germline): Uncertain significance (1 of 4 stars; one submission).

Conditions:
Generalized epilepsy-paroxysmal dyskinesia syndrome (PNKD3). Also called: Generalized epilepsy and paroxysmal dyskinesia; Paroxysmal nonkinesigenic dyskinesia, 3, with or without generalized epilepsy. Identifiers: Orphanet 79137, MedGen C5574945, MONDO:0012276, OMIM 609446.

Submission:

Labcorp Genetics (formerly Invitae), Labcorp
Classification: Uncertain significance for Generalized epilepsy-paroxysmal dyskinesia syndrome. Last evaluated: 2022-11-01. Review status: criteria provided, single submitter. Criteria: Invitae Variant Classification Sherloc (09022015). Collection method: clinical testing. Allele origin: germline.
Comment: In summary, the available evidence is currently insufficient to determine the role of this variant in disease. Therefore, it has been classified as a Variant of Uncertain Significance. Algorithms developed to predict the effect of sequence changes on RNA splicing suggest that this variant may create or strengthen a splice site. This variant has not been reported in the literature in individuals affected with KCNMA1-related conditions. This variant is not present in population databases (gnomAD no frequency). This sequence change falls in intron 7 of the KCNMA1 gene. It does not directly change the encoded amino acid sequence of the KCNMA1 protein.